The following is an entry in ClinVar:

ClinVar aggregate classification (germline): Uncertain significance (1 of 4 stars; one submission).

Allele frequency attached by ClinVar (database versions not stated): gnomAD exomes below 0.00001.
gnomAD v4.1: 1 of 1,609,430 alleles (0.000062%); highest among the groups gnomAD compares: Non-Finnish European, 0.000085%; no homozygotes.

Submission:

Labcorp Genetics (formerly Invitae), Labcorp
Classification: Uncertain significance. Last evaluated: 2022-08-01. Review status: criteria provided, single submitter. Criteria: Invitae Variant Classification Sherloc (09022015). Collection method: clinical testing. Allele origin: germline.
Comment: This sequence change replaces glycine, which is neutral and non-polar, with cysteine, which is neutral and slightly polar, at codon 258 of the SLC12A2 protein (p.Gly258Cys). In summary, the available evidence is currently insufficient to determine the role of this variant in disease. Therefore, it has been classified as a Variant of Uncertain Significance. Advanced modeling of protein sequence and biophysical properties (such as structural, functional, and spatial information, amino acid conservation, physicochemical variation, residue mobility, and thermodynamic stability) performed at Invitae indicates that this missense variant is not expected to disrupt SLC12A2 protein function. This variant has not been reported in the literature in individuals affected with SLC12A2-related conditions. This variant is not present in population databases (gnomAD no frequency).

NM_001046.3(SLC12A2):c.772G>T (p.Gly258Cys)

Gene: SLC12A2 (solute carrier family 12 member 2; plus strand). Cytogenetic location: 5q23.3.
Variant type: single nucleotide variant.
Coding change: c.772G>T on transcript NM_001046.3 (MANE Select); coding-DNA position 772, G replaced by T.
Protein change: p.Gly258Cys; replaces glycine 258 with cysteine.
Molecular consequence: missense variant. On other transcripts: non-coding transcript variant (1).
Genome position (GRCh38, 1-based): chr5:128,112,829, G>T. VCF-style: chr5-128112829-G-T. GRCh37 (hg19) VCF-style: chr5-127448521-G-T.
Other names: c.772G>T, p.Gly258Cys (NM_001256461.2); short protein forms G258C.
Identifiers: ClinVar variation 2009908 (VCV002009908.4), dbSNP rs1761202841, ClinGen allele CA360737686.
Genomic context (GRCh38, chr5:128,112,829, plus strand): 5'-AAATTTTAAATGTTAAGCATAATTCATATTTCTTTTTATAACCAGGAACCTTTTGAGGAT[G>T]GCTTTGCAAATGGGGAAGAAAGTACTCCAACCAGAGATGCTGTGGTCACGTATACTGCAG-3'
Protein context (NP_001037.1, residues 248-268): DELEKEPFED[Gly258Cys]FANGEESTPT